The following is an entry in ClinVar:

ClinVar aggregate classification (germline): Uncertain significance. Review status: criteria provided, multiple submitters, no conflicts (2 of 4 stars). 2 submissions from 2 submitters: Uncertain significance (2). Last evaluated 2025-02-21.

Conditions:
Cystic fibrosis (CF). Also called: MUCOVISCIDOSIS. Identifiers: Orphanet 586, MedGen C0010674, MONDO:0009061, OMIM 219700. Disease mechanism: loss of function.
CFTR-related disorder (CFTR-RD). Also called: CFTR-related disorders; CFTR-related condition. Identifiers: MedGen C5924204, MONDO:7770004.

Allele frequency attached by ClinVar (database versions not stated): gnomAD exomes below 0.00001; TOPMed below 0.00001; gnomAD 0.00001.
gnomAD v4.1: 4 of 1,520,370 alleles (0.00026%); highest among the groups gnomAD compares: African/African-American, 0.0028%; no homozygotes.

Submissions (2):

PreventionGenetics, part of Exact Sciences
Classification: Uncertain significance for CFTR-related condition. Last evaluated: 2025-02-21. Review status: criteria provided, single submitter. Criteria: ACMG Guidelines, 2015. Collection method: clinical testing. Allele origin: germline.
Comment: The CFTR c.2393C>G variant is predicted to result in the amino acid substitution p.Pro798Arg. To our knowledge, this variant has not been reported in the literature or in a large population database (gnomAD), indicating this variant is rare. At this time, the clinical significance of this variant is uncertain due to the absence of conclusive functional and genetic evidence.

Ambry Genetics
Classification: Uncertain significance for Cystic fibrosis. Last evaluated: 2021-07-28. Review status: criteria provided, single submitter. Criteria: Ambry Variant Classification Scheme 2023. Collection method: clinical testing. Allele origin: germline.
Comment: The p.P798R variant (also known as c.2393C>G), located in coding exon 14 of the CFTR gene, results from a C to G substitution at nucleotide position 2393. The proline at codon 798 is replaced by arginine, an amino acid with dissimilar properties. This amino acid position is conserved. In addition, this alteration is predicted to be deleterious by in silico analysis. Since supporting evidence is limited at this time, the clinical significance of this alteration remains unclear.

NM_000492.4(CFTR):c.2393C>G (p.Pro798Arg)

Gene: CFTR (CF transmembrane conductance regulator; plus strand). Cytogenetic location: 7q31.2.
Variant type: single nucleotide variant.
Coding change: c.2393C>G on transcript NM_000492.4 (MANE Select); coding-DNA position 2393, C replaced by G.
Protein change: p.Pro798Arg; replaces proline 798 with arginine.
Molecular consequence: missense variant.
Genome position (GRCh38, 1-based): chr7:117,592,560, C>G. VCF-style: chr7-117592560-C-G. GRCh37 (hg19) VCF-style: chr7-117232614-C-G.
Other names: short protein forms P798R.
Identifiers: ClinVar variation 1790586 (VCV001790586.3), dbSNP rs1487944948, ClinGen allele CA368981116.
Genomic context (GRCh38, chr7:117,592,560, plus strand): 5'-ACCAAGGTCAGAACATTCACCGAAAGACAACAGCATCCACACGAAAAGTGTCACTGGCCC[C>G]TCAGGCAAACTTGACTGAACTGGATATATATTCAAGAAGGTTATCTCAAGAAACTGGCTT-3'
Protein context (NP_000483.3, residues 788-808): TASTRKVSLA[Pro798Arg]QANLTELDIY